The following is an entry in ClinVar:

ClinVar aggregate classification (germline): Pathogenic/Likely pathogenic. Review status: criteria provided, multiple submitters, no conflicts (2 of 4 stars). 4 submissions from 4 submitters: Pathogenic (3); Likely pathogenic (1). Last evaluated 2025-10-06.

Conditions:
Cardiovascular phenotype. Identifiers: MedGen CN230736.
Arrhythmogenic right ventricular dysplasia 8 (ARVD8). Also called: Arrhythmogenic Right Ventricular Dysplasia/Cardiomyopathy 8; ARRHYTHMOGENIC RIGHT VENTRICULAR DYSPLASIA, FAMILIAL, 8; ARRHYTHMOGENIC RIGHT VENTRICULAR CARDIOMYOPATHY 8. Identifiers: MedGen C1843896, MONDO:0011831, OMIM 607450.
Arrhythmogenic cardiomyopathy with wooly hair and keratoderma. Also called: Arrhythmogenic cardiomyopathy with woolly hair and keratoderma; PALMOPLANTAR KERATODERMA WITH LEFT VENTRICULAR CARDIOMYOPATHY AND WOOLLY HAIR; Carvajal syndrome; Dilated cardiomyopathy with woolly hair and keratoderma. Identifiers: Orphanet 65282, MedGen C1854063, MONDO:0011581, OMIM 605676.
Cardiomyopathy (CMYO). Also called: Cardiomyopathies. Identifiers: Orphanet 167848, MedGen C0878544, MONDO:0004994, HP:0001638. Inheritance: Various modes of inheritance.

Submissions (4):

GeneDx
Classification: Likely pathogenic. Last evaluated: 2025-10-06. Review status: criteria provided, single submitter. Criteria: GeneDx Variant Classification Process June 2021. Collection method: clinical testing. Allele origin: germline. Affected: yes.
Comment: Frameshift variant predicted to result in protein truncation or nonsense mediated decay in a gene for which loss of function is a known mechanism of disease; Not observed at significant frequency in large population cohorts (gnomAD); Has not been previously published as pathogenic or benign to our knowledge

Ambry Genetics
Classification: Pathogenic for Cardiovascular phenotype. Last evaluated: 2025-06-17. Review status: criteria provided, single submitter. Criteria: Ambry Variant Classification Scheme 2023. Collection method: clinical testing. Allele origin: germline.
Comment: The c.4153_4156delGAAG alteration, located in exon 23 (coding exon 23) of the DSP gene, consists of a deletion of 4 nucleotides from position 4153 to 4156, causing a translational frameshift with a predicted alternate stop codon after amino acids. This alteration is expected to result in loss of function by premature protein truncation or nonsense-mediated mRNA decay. Based on data from gnomAD, this allele has an overall frequency of 0.0004% (1/251288) total alleles studied. The highest observed frequency was 0.0009% (1/113630) of European (non-Finnish) alleles. Alterations in DSP that result in haploinsufficiency or protein truncation have been reported in patients with arrhythmogenic right ventricular cardiomyopathy (ARVC) and dilated cardiomyopathy (DCM) (Fressart, 2010; Elliott, 2010; Quarta, 2011; Garcia-Pavia, 2011; Rasmussen, 2013; Pugh, 2014). Based on the available evidence, this alteration is classified as pathogenic.

Color Diagnostics, LLC DBA Color Health
Classification: Pathogenic for Cardiomyopathy. Last evaluated: 2025-05-27. Review status: criteria provided, single submitter. Criteria: ACMG Guidelines, 2015. Collection method: clinical testing. Allele origin: germline.
Comment: This variant deletes 4 nucleotides in exon 23 of the DSP gene, creating a frameshift and premature translation stop signal. This variant is expected to result in an absent or non-functional protein product. To our knowledge, this variant has not been reported in individuals affected with DSP-related disorders in the literature. This variant has not been identified in the general population by the Genome Aggregation Database (gnomAD). Loss of DSP function is a known mechanism of disease. Based on the available evidence, this variant is classified as Pathogenic.

Labcorp Genetics (formerly Invitae), Labcorp
Classification: Pathogenic for Arrhythmogenic cardiomyopathy with wooly hair and keratoderma; Arrhythmogenic right ventricular dysplasia 8. Last evaluated: 2025-04-13. Review status: criteria provided, single submitter. Criteria: Invitae Variant Classification Sherloc (09022015). Collection method: clinical testing. Allele origin: germline.
Comment: This sequence change creates a premature translational stop signal (p.Glu1385Argfs*10) in the DSP gene. It is expected to result in an absent or disrupted protein product. Loss-of-function variants in DSP are known to be pathogenic (PMID: 20716751, 24503780, 25227139). This variant is not present in population databases (gnomAD no frequency). This variant has not been reported in the literature in individuals affected with DSP-related conditions. ClinVar contains an entry for this variant (Variation ID: 1459211). For these reasons, this variant has been classified as Pathogenic.

Literature cited by the submitters: PubMed 20400443 (cited by Ambry Genetics); PubMed 20716751 (cited by Ambry Genetics and Labcorp Genetics (formerly Invitae), Labcorp); PubMed 21606390 (cited by Ambry Genetics); PubMed 21859740 (cited by Ambry Genetics); PubMed 23137101 (cited by Ambry Genetics); PubMed 24503780 (cited by Ambry Genetics and Labcorp Genetics (formerly Invitae), Labcorp); PubMed 25227139 (cited by Labcorp Genetics (formerly Invitae), Labcorp).

NM_004415.4(DSP):c.4153_4156del (p.Glu1385fs)

Gene: DSP (desmoplakin; plus strand). Cytogenetic location: 6p24.3.
Variant type: Microsatellite.
Coding change: c.4153_4156del on transcript NM_004415.4 (MANE Select); coding-DNA positions 4153 to 4156, 4 bases deleted (GAAG; older notation c.4153_4156delGAAG).
Protein change: p.Glu1385fs; shifts the reading frame from glutamic acid 1385.
Molecular consequence: frameshift variant. On other transcripts: intron variant (2).
Genome position (GRCh38, 1-based): chr6:7,580,343-7,580,346, GAAG deleted; deleting any 4 consecutive bases within chr6:7,580,339-7,580,346 gives the same sequence; the c. name uses the placement nearest the transcript's 3' end. VCF-style (leftmost placement, unchanged base first): chr6-7580338-AGAAG-A. GRCh37 (hg19) VCF-style: chr6-7580571-AGAAG-A.
Other names: c.4153_4156delGAAG (NM_004415.2); c.4050+103_4050+106del (NM_001319034.2); c.3582+571_3582+574del (NM_001008844.3); short protein forms E1385fs.
Identifiers: ClinVar variation 1459211 (VCV001459211.14), dbSNP rs1759385935, ClinGen allele CA1608616492.